The following is an entry in ClinVar:

ClinVar aggregate classification (germline): Likely pathogenic (1 of 4 stars; one submission).

Conditions:
Retinitis pigmentosa 3. Also called: CHOROIDORETINAL DEGENERATION WITH RETINAL REFLEX IN HETEROZYGOUS WOMEN. Identifiers: Orphanet 791, MedGen C1845667, MONDO:0010227, OMIM 300029.

Submission:

MGZ Medical Genetics Center
Classification: Likely pathogenic for Retinitis pigmentosa 3. Last evaluated: 2022-02-08. Review status: criteria provided, single submitter. Criteria: ACMG Guidelines, 2015. Collection method: clinical testing. Allele origin: germline. Affected: yes. Observed: 1 variant allele.
Comment: ACMG criteria applied: PVS1, PM2_SUP

NM_001034853.2(RPGR):c.1813G>T (p.Glu605Ter)

Gene: RPGR (retinitis pigmentosa GTPase regulator; minus strand). Cytogenetic location: Xp11.4.
Variant type: single nucleotide variant.
Coding change: c.1813G>T on transcript NM_001034853.2 (MANE Select); coding-DNA position 1813, G replaced by T.
Protein change: p.Glu605Ter; replaces glutamic acid 605 with a stop codon.
Molecular consequence: nonsense. On other transcripts: non-coding transcript variant (2), intron variant (5).
Genome position (GRCh38, 1-based): chrX:38,287,186, C>A on the plus strand (G>T on the coding strand, the complement: RPGR is on the minus strand). VCF-style: chrX-38287186-C-A. GRCh37 (hg19) VCF-style: chrX-38146439-C-A.
Other names: c.1813G>T, p.Glu605Ter (NM_000328.3); c.1810G>T, p.Glu604Ter (NM_001367245.1); c.1627G>T, p.Glu543Ter (NM_001367246.1); c.1569+3773G>T (NM_001367249.1, NM_001367250.1); c.1386+3773G>T (NM_001367251.1); c.1572+3773G>T (NM_001367247.1); c.1602+3773G>T (NM_001367248.1); short protein forms E543*, E604*, E605*.
Identifiers: ClinVar variation 1709122 (VCV001709122.2), dbSNP rs2519795177, ClinGen allele CA412732819.
Genomic context (GRCh38, chrX:38,287,186, plus strand): 5'-TCTCTGTTTTCTCCTTTCTTCCTCCATGCACCTTCACATTTTCCTCATTTGCTTCTACCT[C>A]TTGCTCCTCTATTCCATTTCCTTTTGAATCCTCTGCTCCTTCCTTCTCCTCTGGGATCTC-3'